The following is an entry in ClinVar:

ClinVar aggregate classification (germline): Uncertain significance. Review status: criteria provided, multiple submitters, no conflicts (2 of 4 stars). 5 submissions from 5 submitters: Uncertain significance (4). 1 of the submissions does not count toward it. Last evaluated 2025-10-21.

Conditions:
Bone mineral density quantitative trait locus 1 (BMND1). Identifiers: MedGen C1866079, OMIM 601884.
Exudative vitreoretinopathy 4 (EVR4). Identifiers: Orphanet 891, MedGen C1866176, MONDO:0011151, OMIM 601813.
Osteoporosis with pseudoglioma (OPPG). Also called: osteoporosis-pseudoglioma syndrome. Identifiers: Orphanet 2788, MedGen C0432252, MONDO:0009820, OMIM 259770.
Worth disease. Also called: ENDOSTEAL HYPEROSTOSIS, AUTOSOMAL DOMINANT; OSTEOSCLEROSIS, AUTOSOMAL DOMINANT; Autosomal dominant osteosclerosis, Worth type. Identifiers: Orphanet 2790, MedGen C0432273, MONDO:0007764, OMIM 144750.
Autosomal dominant osteopetrosis 1 (OPTA1). Also called: OSTEOPETROSIS, AUTOSOMAL DOMINANT, TYPE I. Identifiers: Orphanet 2783, MedGen C1843330, MONDO:0011877, OMIM 607634.
Polycystic liver disease 4 with or without kidney cysts. Identifiers: MedGen C4693479, MONDO:0044327, OMIM 617875.
LRP5-related disorder. Also called: LRP5-related condition.

Allele frequency attached by ClinVar (database versions not stated): gnomAD exomes 0.00001; ExAC 0.00002; TOPMed 0.00002; gnomAD 0.00001.
gnomAD v4.1: 14 of 1,613,620 alleles (0.00087%); highest among the groups gnomAD compares: East Asian, 0.0022%; 1 homozygote.

Submissions (5):

Labcorp Genetics (formerly Invitae), Labcorp
Classification: Uncertain significance. Last evaluated: 2025-10-21. Review status: criteria provided, single submitter. Criteria: Invitae Variant Classification Sherloc (09022015). Collection method: clinical testing. Allele origin: germline.
Comment: This sequence change replaces threonine, which is neutral and polar, with methionine, which is neutral and non-polar, at codon 435 of the LRP5 protein (p.Thr435Met). This variant is present in population databases (rs777314081, gnomAD 0.005%). This variant has not been reported in the literature in individuals affected with LRP5-related conditions. ClinVar contains an entry for this variant (Variation ID: 867078). Invitae Evidence Modeling of protein sequence and biophysical properties (such as structural, functional, and spatial information, amino acid conservation, physicochemical variation, residue mobility, and thermodynamic stability) has been performed for this missense variant. However, the output from this modeling did not meet the statistical confidence thresholds required to predict the impact of this variant on LRP5 protein function. In summary, the available evidence is currently insufficient to determine the role of this variant in disease. Therefore, it has been classified as a Variant of Uncertain Significance.

Mayo Clinic Laboratories, Mayo Clinic
Classification: Uncertain significance. Last evaluated: 2024-08-13. Review status: criteria provided, single submitter. Criteria: ACMG Guidelines, 2015. Collection method: clinical testing. Allele origin: germline. Observed: 1 variant allele.
Comment: PP3, PM2

Fulgent Genetics
Classification: Uncertain significance for Worth disease; Osteoporosis with pseudoglioma; Exudative vitreoretinopathy 4; Bone mineral density quantitative trait locus 1; Autosomal dominant osteopetrosis 1; Polycystic liver disease 4 with or without kidney cysts. Last evaluated: 2024-02-05. Review status: criteria provided, single submitter. Criteria: ACMG Guidelines, 2015. Collection method: clinical testing. Allele origin: germline.

Blueprint Genetics
Classification: Uncertain significance. Last evaluated: 2019-08-23. Review status: criteria provided, single submitter. Criteria: ACMG Guidelines, 2015. Collection method: clinical testing. Allele origin: germline.

PreventionGenetics, part of Exact Sciences
Classification: Uncertain significance for LRP5-related condition. Last evaluated: 2024-08-27. Review status: no assertion criteria provided. Collection method: clinical testing. Allele origin: germline. Not counted in ClinVar's aggregate classification.
Comment: The LRP5 c.1304C>T variant is predicted to result in the amino acid substitution p.Thr435Met. To our knowledge, this variant has not been reported in the literature. This variant is reported in 0.0050% of alleles in individuals of East Asian descent in gnomAD. At this time, the clinical significance of this variant is uncertain due to the absence of conclusive functional and genetic evidence.

NM_002335.4(LRP5):c.1304C>T (p.Thr435Met)

Gene: LRP5 (LDL receptor related protein 5; plus strand). Cytogenetic location: 11q13.2.
Variant type: single nucleotide variant.
Coding change: c.1304C>T on transcript NM_002335.4 (MANE Select); coding-DNA position 1304, C replaced by T.
Protein change: p.Thr435Met; replaces threonine 435 with methionine.
Molecular consequence: missense variant. On other transcripts: 5 prime UTR variant (1).
Genome position (GRCh38, 1-based): chr11:68,386,604, C>T. VCF-style: chr11-68386604-C-T. GRCh37 (hg19) VCF-style: chr11-68154072-C-T.
Other names: p.Thr435Met; c.1304C>T (NM_002335.3); c.-462C>T (NM_001291902.2); short protein forms T435M.
Identifiers: ClinVar variation 867078 (VCV000867078.14), dbSNP rs777314081, ClinGen allele CA6149296.